The following is an entry in ClinVar:

ClinVar aggregate classification (germline): Uncertain significance (1 of 4 stars; one submission).

Conditions:
Inborn genetic diseases. Identifiers: MedGen C0950123, MeSH D030342.

Allele frequency attached by ClinVar (database versions not stated): TOPMed 0.00007.
gnomAD v4.1: 32 of 1,613,708 alleles (0.002%); highest among the groups gnomAD compares: Admixed American, 0.017%; no homozygotes.

Submission:

Ambry Genetics
Classification: Uncertain significance for Inborn genetic diseases. Last evaluated: 2021-02-11. Review status: criteria provided, single submitter. Criteria: Ambry Variant Classification Scheme 2023. Collection method: clinical testing. Allele origin: germline.
Comment: The c.265G>A (p.D89N) alteration is located in exon 3 (coding exon 3) of the TMEM8C gene. This alteration results from a G to A substitution at nucleotide position 265, causing the aspartic acid (D) at amino acid position 89 to be replaced by an asparagine (N). Based on data from the Genome Aggregation Database (gnomAD) database, the TMEM8C c.265G>A alteration was observed in 0% (9/250524) of total alleles studied. This amino acid position is highly conserved in available vertebrate species. The p.D89N alteration is predicted to be tolerated by in silico analysis. Based on insufficient or conflicting evidence, the clinical significance of this alteration remains unclear.

NM_001080483.3(MYMK):c.265G>A (p.Asp89Asn)

Gene: MYMK (myomaker, myoblast fusion factor; minus strand). Cytogenetic location: 9q34.2.
Variant type: single nucleotide variant.
Coding change: c.265G>A on transcript NM_001080483.3 (MANE Select); coding-DNA position 265, G replaced by A.
Protein change: p.Asp89Asn; replaces aspartic acid 89 with asparagine.
Molecular consequence: missense variant.
Genome position (GRCh38, 1-based): chr9:133,519,008, C>T on the plus strand (G>A on the coding strand, the complement: MYMK is on the minus strand). VCF-style: chr9-133519008-C-T. GRCh37 (hg19) VCF-style: chr9-136384130-C-T.
Other names: short protein forms D89N.
Identifiers: ClinVar variation 3160290 (VCV003160290.1), dbSNP rs763827082, ClinGen allele CA5312272.